The following is an entry in ClinVar:

ClinVar aggregate classification (germline): Uncertain significance (1 of 4 stars; one submission).

Conditions:
Ataxia-telangiectasia syndrome (AT). Also called: LOUIS-BAR SYNDROME; Cerebello-oculocutaneous telangiectasia; Immunodeficiency with ataxia telangiectasia; Ataxia telangiectasia (A-T); Ataxia-telangiectasia, complementation group D; AT, COMPLEMENTATION GROUP C. Identifiers: Orphanet 100, MedGen C0004135, MONDO:0008840, OMIM 208900.

Submission:

Labcorp Genetics (formerly Invitae), Labcorp
Classification: Uncertain significance for Ataxia-telangiectasia syndrome. Last evaluated: 2021-01-16. Review status: criteria provided, single submitter. Criteria: Invitae Variant Classification Sherloc (09022015). Collection method: clinical testing. Allele origin: germline.
Comment: In summary, the available evidence is currently insufficient to determine the role of this variant in disease. Therefore, it has been classified as a Variant of Uncertain Significance. Advanced modeling of protein sequence and biophysical properties (such as structural, functional, and spatial information, amino acid conservation, physicochemical variation, residue mobility, and thermodynamic stability) performed at Invitae indicates that this missense variant is expected to disrupt ATM protein function. This variant has not been reported in the literature in individuals with ATM-related conditions. This variant is not present in population databases (ExAC no frequency). This sequence change replaces alanine with proline at codon 2564 of the ATM protein (p.Ala2564Pro). The alanine residue is highly conserved and there is a small physicochemical difference between alanine and proline.

NM_000051.4(ATM):c.7690G>C (p.Ala2564Pro)

Genes: ATM (ATM serine/threonine kinase; plus strand), C11orf65 (chromosome 11 open reading frame 65; minus strand). Cytogenetic location: 11q22.3.
Variant type: single nucleotide variant.
Coding change: c.7690G>C on transcript NM_000051.4 (MANE Select); coding-DNA position 7690, G replaced by C.
Protein change: p.Ala2564Pro; replaces alanine 2564 with proline.
Molecular consequence: missense variant. On other transcripts: intron variant (2).
Genome position (GRCh38, 1-based): chr11:108,331,939, G>C. VCF-style: chr11-108331939-G-C. GRCh37 (hg19) VCF-style: chr11-108202666-G-C.
Other names: c.7690G>C, p.Ala2564Pro (NM_001351834.2); c.641-22868C>G (NM_001330368.2); c.*38+3281C>G (NM_001351110.2); short protein forms A2564P.
Identifiers: ClinVar variation 1488087 (VCV001488087.8), dbSNP rs940285361, ClinGen allele CA382561015.